The following is an entry in ClinVar:

NM_016630.7(SPG21):c.670-13G>T

Gene: SPG21 (SPG21 abhydrolase domain containing, maspardin; minus strand). Cytogenetic location: 15q22.31.
Variant type: single nucleotide variant.
Coding change: c.670-13G>T on transcript NM_016630.7 (MANE Select); 13 bases into the intron before coding-DNA position 670, G replaced by T.
Molecular consequence: intron variant.
Genome position (GRCh38, 1-based): chr15:64,965,473, C>A on the plus strand (G>T on the coding strand, the complement: SPG21 is on the minus strand). VCF-style: chr15-64965473-C-A. GRCh37 (hg19) VCF-style: chr15-65257814-C-A.
Other names: c.589-13G>T (NM_001127890.5); c.670-13G>T (NM_001127889.5).
Identifiers: ClinVar variation 316719 (VCV000316719.33), dbSNP rs115421171, ClinGen allele CA7612899.

ClinVar aggregate classification (germline): Conflicting classifications of pathogenicity. Review status: criteria provided, conflicting classifications (1 of 4 stars). 3 submissions from 3 submitters: Uncertain significance (1); Benign (1); Likely benign (1). Last evaluated 2026-01-20.

Conditions:
Mast syndrome. Also called: SPASTIC PARAPLEGIA 21, AUTOSOMAL RECESSIVE. Identifiers: Orphanet 101001, MedGen C1855346, MONDO:0009568, OMIM 248900.

Allele frequency attached by ClinVar (database versions not stated): 1000 Genomes Project 0.00100; 1000 Genomes Project 30x 0.00109; gnomAD 0.00129 and 0.00141; TOPMed 0.00165; ESP Exome Variant Server 0.00185.
gnomAD v4.1: 389 of 1,614,128 alleles (0.024%); highest among the groups gnomAD compares: African/African-American, 0.47%; 1 homozygote.

Submissions (3):

Labcorp Genetics (formerly Invitae), Labcorp
Classification: Benign for Mast syndrome. Last evaluated: 2026-01-20. Review status: criteria provided, single submitter. Criteria: Invitae Variant Classification Sherloc (09022015). Collection method: clinical testing. Allele origin: germline.

CeGaT Center for Human Genetics Tuebingen
Classification: Likely benign. Last evaluated: 2022-09-01. Review status: criteria provided, single submitter. Criteria: CeGaT Center For Human Genetics Tuebingen Variant Classification Criteria Version 2. Collection method: clinical testing. Allele origin: germline. Affected: yes. Observed: 1 variant allele.
Comment: SPG21: BS2

Illumina Laboratory Services, Illumina
Classification: Uncertain significance for Mast syndrome. Last evaluated: 2018-01-12. Review status: criteria provided, single submitter. Criteria: ICSL Variant Classification Criteria 13 December 2019. Collection method: clinical testing. Allele origin: germline.